The following is an entry in ClinVar:

NM_025077.4(TOE1):c.1379C>A (p.Pro460Gln)

Gene: TOE1 (target of EGR1, exonuclease; plus strand). Cytogenetic location: 1p34.1.
Variant type: single nucleotide variant.
Coding change: c.1379C>A on transcript NM_025077.4 (MANE Select); coding-DNA position 1379, C replaced by A.
Protein change: p.Pro460Gln; replaces proline 460 with glutamine.
Molecular consequence: missense variant.
Genome position (GRCh38, 1-based): chr1:45,343,548, C>A. VCF-style: chr1-45343548-C-A. GRCh37 (hg19) VCF-style: chr1-45809220-C-A.
Other names: short protein forms P460Q.
Identifiers: ClinVar variation 1436560 (VCV001436560.8), dbSNP rs149059377, ClinGen allele CA340141981.

ClinVar aggregate classification (germline): Uncertain significance (1 of 4 stars; one submission).

Submission:

Labcorp Genetics (formerly Invitae), Labcorp
Classification: Uncertain significance. Last evaluated: 2023-07-07. Review status: criteria provided, single submitter. Criteria: Invitae Variant Classification Sherloc (09022015). Collection method: clinical testing. Allele origin: germline.
Comment: In summary, the available evidence is currently insufficient to determine the role of this variant in disease. Therefore, it has been classified as a Variant of Uncertain Significance. Advanced modeling of protein sequence and biophysical properties (such as structural, functional, and spatial information, amino acid conservation, physicochemical variation, residue mobility, and thermodynamic stability) performed at Invitae indicates that this missense variant is not expected to disrupt TOE1 protein function. ClinVar contains an entry for this variant (Variation ID: 1436560). This variant has not been reported in the literature in individuals affected with TOE1-related conditions. This variant is not present in population databases (gnomAD no frequency). This sequence change replaces proline, which is neutral and non-polar, with glutamine, which is neutral and polar, at codon 460 of the TOE1 protein (p.Pro460Gln).